The following is an entry in ClinVar:

ClinVar aggregate classification (germline): Likely benign. Review status: criteria provided, multiple submitters, no conflicts (2 of 4 stars). 3 submissions from 3 submitters: Likely benign (3). Last evaluated 2026-01-16.

Conditions:
Polycystic liver disease 2 (PCLD2). Also called: Polycystic liver disease 2 with or without kidney cysts. Identifiers: Orphanet 2924, MedGen C4310769, MONDO:0014860, OMIM 617004.

Allele frequency attached by ClinVar (database versions not stated): TOPMed 0.00014; ExAC 0.00016; gnomAD 0.00016 and 0.00019; gnomAD exomes 0.00017 and 0.00032; ESP Exome Variant Server 0.00046.
gnomAD v4.1: 448 of 1,516,538 alleles (0.03%); highest among the groups gnomAD compares: Middle Eastern, 0.093%; no homozygotes.

Submissions (3):

Labcorp Genetics (formerly Invitae), Labcorp
Classification: Likely benign. Last evaluated: 2026-01-16. Review status: criteria provided, single submitter. Criteria: Invitae Variant Classification Sherloc (09022015). Collection method: clinical testing. Allele origin: germline.

Blueprint Genetics
Classification: Likely benign. Last evaluated: 2024-11-08. Review status: criteria provided, single submitter. Criteria: ACMG Guidelines, 2015. Collection method: clinical testing. Allele origin: germline.

Illumina Laboratory Services, Illumina
Classification: Likely benign for Polycystic liver disease 2. Last evaluated: 2018-01-12. Review status: criteria provided, single submitter. Criteria: ICSL Variant Classification Criteria 13 December 2019. Collection method: clinical testing. Allele origin: germline.
Comment: This variant was observed in the ICSL laboratory as part of a predisposition screen in an ostensibly healthy population. It had not been previously curated by ICSL or reported in the Human Gene Mutation Database (HGMD: prior to June 1st, 2018), and was therefore a candidate for classification through an automated scoring system. Utilizing variant allele frequency, disease prevalence and penetrance estimates, and inheritance mode, an automated score was calculated to assess if this variant is too frequent to cause the disease. Based on the score and internal cut-off values, a variant classified as likely benign is not then subjected to further curation. The score for this variant resulted in a classification of likely benign for this disease.

NM_007214.5(SEC63):c.2034+10A>G

Gene: SEC63 (SEC63 protein translocation regulator; minus strand). Cytogenetic location: 6q21.
Variant type: single nucleotide variant.
Coding change: c.2034+10A>G on transcript NM_007214.5 (MANE Select); 10 bases into the intron after coding-DNA position 2034, A replaced by G.
Molecular consequence: intron variant.
Genome position (GRCh38, 1-based): chr6:107,876,554, T>C on the plus strand (A>G on the coding strand, the complement: SEC63 is on the minus strand). VCF-style: chr6-107876554-T-C. GRCh37 (hg19) VCF-style: chr6-108197758-T-C.
Identifiers: ClinVar variation 354891 (VCV000354891.10), dbSNP rs200406751, ClinGen allele CA3947166.
Genomic context (GRCh38, chr6:107,876,554, plus strand): 5'-ATATATGAAGCAGCATGATGGTGACAGCTGTGCCTTGTTAAACACTGAAATCATGTTGCT[T>C]GATAGTTACCTCCTCTGTATCTTTCAGCGTACACACATGATATGGCATGGATATTAATGT-3'